The following is an entry in ClinVar:

ClinVar aggregate classification (germline): Uncertain significance (1 of 4 stars; one submission).

Submission:

GeneDx
Classification: Uncertain significance. Last evaluated: 2019-08-09. Review status: criteria provided, single submitter. Criteria: GeneDx Variant Classification Process June 2021. Collection method: clinical testing. Allele origin: germline. Affected: yes.
Comment: Has not been previously published as pathogenic or benign to our knowledge; Not observed in large population cohorts (Lek et al., 2016); In silico analysis, which includes protein predictors and evolutionary conservation, supports a deleterious effect

NM_001035.3(RYR2):c.13319A>T (p.Glu4440Val)

Gene: RYR2 (ryanodine receptor 2; plus strand). Cytogenetic location: 1q43.
Variant type: single nucleotide variant.
Coding change: c.13319A>T on transcript NM_001035.3 (MANE Select); coding-DNA position 13319, A replaced by T.
Protein change: p.Glu4440Val; replaces glutamic acid 4440 with valine.
Molecular consequence: missense variant.
Genome position (GRCh38, 1-based): chr1:237,786,027, A>T. VCF-style: chr1-237786027-A-T. GRCh37 (hg19) VCF-style: chr1-237949327-A-T.
Other names: short protein forms E4440V.
Identifiers: ClinVar variation 1318852 (VCV001318852.2), dbSNP rs2149360056, ClinGen allele CA345415971.